The following is an entry in ClinVar:

NM_182916.3(TRNT1):c.748C>G (p.His250Asp)

Gene: TRNT1 (tRNA nucleotidyl transferase 1; plus strand). Cytogenetic location: 3p26.2.
Variant type: single nucleotide variant.
Coding change: c.748C>G on transcript NM_182916.3 (MANE Select); coding-DNA position 748, C replaced by G.
Protein change: p.His250Asp; replaces histidine 250 with aspartic acid.
Molecular consequence: missense variant. On other transcripts: non-coding transcript variant (6), intron variant (1).
Genome position (GRCh38, 1-based): chr3:3,146,569, C>G. VCF-style: chr3-3146569-C-G. GRCh37 (hg19) VCF-style: chr3-3188253-C-G.
Other names: c.748C>G, p.His250Asp (NM_001367321.1, NM_001367322.1, NM_001367323.1); c.742+6C>G (NM_001302946.2); short protein forms H250D.
Identifiers: ClinVar variation 1409523 (VCV001409523.6), dbSNP rs1453297459, ClinGen allele CA351447217.
Genomic context (GRCh38, chr3:3,146,569, plus strand): 5'-TTGGCTGGAATATCAGGAGAAAGGATTTGGGTGGAACTGAAAAAAATTCTTGTTGGTAAC[C>G]ATGTAAATCATTTGATTCACCTTATCTATGATCTTGATGTGGCTCCTTATATAGGTGAGA-3'
Protein context (NP_886552.3, residues 240-260): VELKKILVGN[His250Asp]VNHLIHLIYD

ClinVar aggregate classification (germline): Uncertain significance (1 of 4 stars; one submission).

Conditions:
Congenital sideroblastic anemia-B-cell immunodeficiency-periodic fever-developmental delay syndrome. Also called: Sideroblastic anemia with B-cell immunodeficiency, periodic fevers, and developmental delay. Identifiers: Orphanet 369861, MedGen C4015172, MONDO:0014487, OMIM 616084.

Allele frequency attached by ClinVar (database versions not stated): gnomAD exomes below 0.00001; gnomAD 0.00001; TOPMed 0.00001.
gnomAD v4.1: 2 of 1,613,588 alleles (0.00012%); highest among the groups gnomAD compares: African/African-American, 0.0027%; no homozygotes.

Submission:

Labcorp Genetics (formerly Invitae), Labcorp
Classification: Uncertain significance for Congenital sideroblastic anemia-B-cell immunodeficiency-periodic fever-developmental delay syndrome. Last evaluated: 2024-11-18. Review status: criteria provided, single submitter. Criteria: Invitae Variant Classification Sherloc (09022015). Collection method: clinical testing. Allele origin: germline.
Comment: This sequence change replaces histidine, which is basic and polar, with aspartic acid, which is acidic and polar, at codon 250 of the TRNT1 protein (p.His250Asp). This variant is present in population databases (no rsID available, gnomAD 0.007%). This variant has not been reported in the literature in individuals affected with TRNT1-related conditions. ClinVar contains an entry for this variant (Variation ID: 1409523). Invitae Evidence Modeling of protein sequence and biophysical properties (such as structural, functional, and spatial information, amino acid conservation, physicochemical variation, residue mobility, and thermodynamic stability) indicates that this missense variant is not expected to disrupt TRNT1 protein function with a negative predictive value of 80%. In summary, the available evidence is currently insufficient to determine the role of this variant in disease. Therefore, it has been classified as a Variant of Uncertain Significance.